The following is an entry in ClinVar:

NM_001042492.3(NF1):c.5267A>C (p.Lys1756Thr)

Gene: NF1 (neurofibromin 1; plus strand). Cytogenetic location: 17q11.2.
Variant type: single nucleotide variant.
Coding change: c.5267A>C on transcript NM_001042492.3 (MANE Select); coding-DNA position 5267, A replaced by C.
Protein change: p.Lys1756Thr; replaces lysine 1756 with threonine.
Molecular consequence: missense variant.
Genome position (GRCh38, 1-based): chr17:31,326,251, A>C. VCF-style: chr17-31326251-A-C. GRCh37 (hg19) VCF-style: chr17-29653269-A-C.
Other names: c.5204A>C, p.Lys1735Thr (NM_000267.4); short protein forms K1735T, K1756T.
Identifiers: ClinVar variation 2704969 (VCV002704969.4), dbSNP rs2151539121, ClinGen allele CA399008415.
Genomic context (GRCh38, chr17:31,326,251, plus strand): 5'-ACCTGAAGGTATTCCACAATGCTCTCAAGCTAGCTCACAAAGACACCAAAGTTTCTATTA[A>C]AGTAAGTTCCAGTCTGTGTTTTGTAAACGATTCATTGCTTTTCTTGACTAACTAGACTAT-3'
Protein context (NP_001035957.1, residues 1746-1766): LAHKDTKVSI[Lys1756Thr]VGSTAVQVTS

ClinVar aggregate classification (germline): Uncertain significance. Review status: criteria provided, multiple submitters, no conflicts (2 of 4 stars). 2 submissions from 2 submitters: Uncertain significance (2). Last evaluated 2025-10-13.

Conditions:
Neurofibromatosis, type 1 (NF1). Also called: Peripheral type neurofibromatosis; VON RECKLINGHAUSEN DISEASE; NEUROFIBROMATOSIS, TYPE I, SOMATIC; Neurofibromatosis, type I. Identifiers: Orphanet 636, MedGen C0027831, MONDO:0018975, OMIM 162200. Disease mechanism: loss of function.
Hereditary cancer-predisposing syndrome. Also called: Neoplastic Syndromes, Hereditary; Hereditary neoplastic syndrome; Tumor predisposition; Hereditary Cancer Syndrome. Identifiers: Orphanet 140162, MedGen C0027672, MeSH D009386, MONDO:0015356.
Cardiovascular phenotype. Identifiers: MedGen CN230736.

Submissions (2):

Ambry Genetics
Classification: Uncertain significance for Cardiovascular phenotype; Hereditary cancer-predisposing syndrome. Last evaluated: 2025-10-13. Review status: criteria provided, single submitter. Criteria: Ambry Variant Classification Scheme 2023. Collection method: clinical testing. Allele origin: germline.
Comment: The p.K1735T variant (also known as c.5204A>C), located in coding exon 36 of the NF1 gene, results from an A to C substitution at nucleotide position 5204. The lysine at codon 1735 is replaced by threonine, an amino acid with similar properties. This amino acid position is conserved. In addition, the in silico prediction for this alteration is inconclusive. Based on the available evidence, the clinical significance of this variant remains unclear.

Labcorp Genetics (formerly Invitae), Labcorp
Classification: Uncertain significance for Neurofibromatosis, type 1. Last evaluated: 2023-05-24. Review status: criteria provided, single submitter. Criteria: Invitae Variant Classification Sherloc (09022015). Collection method: clinical testing. Allele origin: germline.
Comment: In summary, the available evidence is currently insufficient to determine the role of this variant in disease. Therefore, it has been classified as a Variant of Uncertain Significance. An algorithm developed to predict the effect of missense changes on protein structure and function (PolyPhen-2) suggests that this variant is likely to be disruptive. This variant has not been reported in the literature in individuals affected with NF1-related conditions. This variant is not present in population databases (gnomAD no frequency). This sequence change replaces lysine, which is basic and polar, with threonine, which is neutral and polar, at codon 1735 of the NF1 protein (p.Lys1735Thr).